The following is an entry in ClinVar:

ClinVar aggregate classification (germline): Uncertain significance (1 of 4 stars; one submission).

Allele frequency attached by ClinVar (database versions not stated): gnomAD exomes below 0.00001.
gnomAD v4.1: 1 of 1,614,062 alleles (0.000062%); highest among the groups gnomAD compares: Non-Finnish European, 0.000085%; no homozygotes.

Submission:

GeneDx
Classification: Uncertain significance. Last evaluated: 2018-03-14. Review status: criteria provided, single submitter. Criteria: GeneDx Variant Classification (06012015). Collection method: clinical testing. Allele origin: germline. Affected: yes.
Comment: The Q331R variant in the DNM2 gene has not been reported previously as a pathogenic variant, nor as a benign variant, to our knowledge. The Q331R variant was not observed in approximately 6500 individuals of European and African American ancestry in the NHLBI Exome Sequencing Project, indicating it is not a common benign variant in these populations. The Q331R variant is a semi-conservative amino acid substitution, which may impact secondary protein structure as these residues differ in some properties. This substitution occurs at a position that is conserved across species. In silico analysis predicts this variant is probably damaging to the protein structure/function. We interpret Q331R as a variant of uncertain significance

NM_001005361.3(DNM2):c.992A>G (p.Gln331Arg)

Gene: DNM2 (dynamin 2; plus strand). Cytogenetic location: 19p13.2.
Variant type: single nucleotide variant.
Coding change: c.992A>G on transcript NM_001005361.3 (MANE Select); coding-DNA position 992, A replaced by G.
Protein change: p.Gln331Arg; replaces glutamine 331 with arginine.
Molecular consequence: missense variant.
Genome position (GRCh38, 1-based): chr19:10,786,706, A>G. VCF-style: chr19-10786706-A-G. GRCh37 (hg19) VCF-style: chr19-10897382-A-G.
Other names: c.992A>G, p.Gln331Arg (NM_001005360.3, NM_001005362.3, NM_001190716.2 and 1 more transcripts); short protein forms Q331R.
Identifiers: ClinVar variation 246079 (VCV000246079.2), dbSNP rs879254084, ClinGen allele CA10584603.
Genomic context (GRCh38, chr19:10,786,706, plus strand): 5'-TGGAGGAGTACAAGAACTTTCGGCCCGACGACCCCACCCGCAAAACCAAAGCCCTGCTGC[A>G]GTATGTACCCCGGCACCCACCACCACCACCACCCTGGCCCCTGCCTTCCATCAGCCACAG-3'
Protein context (NP_001005361.1, residues 321-341): DPTRKTKALL[Gln331Arg]MVQQFGVDFE